The following is an entry in ClinVar:

NM_198578.4(LRRK2):c.4277C>T (p.Ala1426Val)

Gene: LRRK2 (leucine rich repeat kinase 2; plus strand). Cytogenetic location: 12q12.
Variant type: single nucleotide variant.
Coding change: c.4277C>T on transcript NM_198578.4 (MANE Select); coding-DNA position 4277, C replaced by T.
Protein change: p.Ala1426Val; replaces alanine 1426 with valine.
Molecular consequence: missense variant.
Genome position (GRCh38, 1-based): chr12:40,309,193, C>T. VCF-style: chr12-40309193-C-T. GRCh37 (hg19) VCF-style: chr12-40702995-C-T.
Other names: short protein forms A1426V.
Identifiers: ClinVar variation 2562446 (VCV002562446.2), dbSNP rs1944944894, ClinGen allele CA384418153.

ClinVar aggregate classification (germline): Uncertain significance (1 of 4 stars; one submission).

Conditions:
Inborn genetic diseases. Identifiers: MedGen C0950123, MeSH D030342.

Allele frequency attached by ClinVar (database versions not stated): TOPMed below 0.00001; gnomAD 0.00001.
gnomAD v4.1: 1 of 1,613,734 alleles (0.000062%); highest among the groups gnomAD compares: Non-Finnish European, 0.000085%; no homozygotes.

Submission:

Ambry Genetics
Classification: Uncertain significance for Inborn genetic diseases. Last evaluated: 2023-05-08. Review status: criteria provided, single submitter. Criteria: Ambry Variant Classification Scheme 2023. Collection method: clinical testing. Allele origin: germline.
Comment: The p.A1426V variant (also known as c.4277C>T), located in coding exon 30 of the LRRK2 gene, results from a C to T substitution at nucleotide position 4277. The alanine at codon 1426 is replaced by valine, an amino acid with similar properties. This amino acid position is conserved. In addition, the in silico prediction for this alteration is inconclusive. Since supporting evidence is limited at this time, the clinical significance of this alteration remains unclear.